The following is an entry in ClinVar:

ClinVar aggregate classification (germline): Pathogenic (1 of 4 stars; one submission).

Submission:

Labcorp Genetics (formerly Invitae), Labcorp
Classification: Pathogenic. Last evaluated: 2023-12-06. Review status: criteria provided, single submitter. Criteria: Invitae Variant Classification Sherloc (09022015). Collection method: clinical testing. Allele origin: unknown.
Comment: This variant is a gross deletion of the genomic region encompassing exon(s) 1-6 of the PHYH gene, which includes the initiator codon. This deletion extends beyond the assayed region for this gene and therefore may encompass additional genes. It is expected to result in an absent or disrupted protein product. Loss-of-function variants in PHYH are known to be pathogenic (PMID: 9326940, 14974078). This variant has not been reported in the literature in individuals affected with PHYH-related conditions. For these reasons, this variant has been classified as Pathogenic.

Literature cited by the submitters: PubMed 9326940; PubMed 14974078.

NC_000010.10:g.(?_13330340)_(13342042_?)del

Gene: PHYH (phytanoyl-CoA 2-hydroxylase; minus strand). Cytogenetic location: 10p13.
Variant type: Deletion.
Identifiers: ClinVar variation 3244977 (VCV003244977.1).